The following is an entry in ClinVar:

NM_000388.4(CASR):c.357_358del (p.Lys119fs)

Gene: CASR (calcium sensing receptor; plus strand). Cytogenetic location: 3q21.1.
Variant type: Deletion.
Coding change: c.357_358del on transcript NM_000388.4 (MANE Select); coding-DNA positions 357 to 358, 2 bases deleted (AA; older notation c.357_358delAA).
Protein change: p.Lys119fs; shifts the reading frame from lysine 119.
Molecular consequence: frameshift variant.
Genome position (GRCh38, 1-based): chr3:122,257,252-122,257,253, AA deleted; deleting any 2 consecutive bases within chr3:122,257,250-122,257,253 gives the same sequence; the c. name uses the placement nearest the transcript's 3' end. VCF-style (leftmost placement, unchanged base first): chr3-122257249-CAA-C. GRCh37 (hg19) VCF-style: chr3-121976096-CAA-C.
Other names: c.357_358del, p.Lys119fs (NM_001178065.2); short protein forms K119fs.
Identifiers: ClinVar variation 1453750 (VCV001453750.6), dbSNP rs2107627671, ClinGen allele CA2573136446.

ClinVar aggregate classification (germline): Pathogenic (1 of 4 stars; one submission).

Conditions:
Autosomal dominant hypocalcemia 1 (HYPOC1). Also called: HYPOCALCEMIA, FAMILIAL. Identifiers: MedGen C3715128, MONDO:0011013, OMIM 601198.
Familial hypocalciuric hypercalcemia (FHH). Also called: Familial benign hypercalcemia. Identifiers: Orphanet 405, MedGen C1809471, MONDO:0018458.

Submission:

Labcorp Genetics (formerly Invitae), Labcorp
Classification: Pathogenic for Familial hypocalciuric hypercalcemia; Autosomal dominant hypocalcemia 1. Last evaluated: 2021-05-27. Review status: criteria provided, single submitter. Criteria: Invitae Variant Classification Sherloc (09022015). Collection method: clinical testing. Allele origin: germline.
Comment: For these reasons, this variant has been classified as Pathogenic. This variant has not been reported in the literature in individuals with CASR-related conditions. This variant is not present in population databases (ExAC no frequency). This sequence change creates a premature translational stop signal (p.Lys119Asnfs*2) in the CASR gene. It is expected to result in an absent or disrupted protein product. Loss-of-function variants in CASR are known to be pathogenic (PMID: 22422767).

Literature cited by the submitters: PubMed 22422767.